The following is an entry in ClinVar:

NM_000454.5(SOD1):c.217G>A (p.Gly73Ser)

Genes: SCAF4 (SR-related CTD associated factor 4; minus strand), SOD1 (superoxide dismutase 1; plus strand). Cytogenetic location: 21q22.11.
Variant type: single nucleotide variant.
Coding change: c.217G>A on transcript NM_000454.5 (MANE Select); coding-DNA position 217, G replaced by A.
Protein change: p.Gly73Ser; replaces glycine 73 with serine.
Molecular consequence: missense variant.
Genome position (GRCh38, 1-based): chr21:31,666,496, G>A. VCF-style: chr21-31666496-G-A. GRCh37 (hg19) VCF-style: chr21-33038809-G-A.
Other names: G72S; short protein forms G73S.
Identifiers: ClinVar variation 14779 (VCV000014779.12), dbSNP rs121912455, ClinGen allele CA257358.

ClinVar aggregate classification (germline): Likely pathogenic. Review status: criteria provided, multiple submitters, no conflicts (2 of 4 stars). 5 submissions from 5 submitters: Likely pathogenic (4). 1 of the submissions does not count toward it. Last evaluated 2025-09-30.

Conditions:
Amyotrophic lateral sclerosis type 1 (ALS1). Also called: AMYOTROPHIC LATERAL SCLEROSIS 1, FAMILIAL. Identifiers: Orphanet 803, MedGen C1862939, MONDO:0007103, OMIM 105400.

Allele frequency attached by ClinVar (database versions not stated): gnomAD exomes below 0.00001; ExAC 0.00001.
gnomAD v4.1: 7 of 1,612,564 alleles (0.00043%); highest among the groups gnomAD compares: Non-Finnish European, 0.00051%; no homozygotes.

Submissions (5):

Institute of Human Genetics, Heidelberg University
Classification: Likely pathogenic for Amyotrophic lateral sclerosis type 1. Last evaluated: 2025-09-30. Review status: criteria provided, single submitter. Criteria: ACMG Guidelines, 2015. Collection method: clinical testing. Allele origin: unknown. Observed: 1 variant allele.
Comment: PM1, PM2_supp, PP3_mod, PM5

Labcorp Genetics (formerly Invitae), Labcorp
Classification: Likely pathogenic for Amyotrophic lateral sclerosis type 1. Last evaluated: 2025-04-13. Review status: criteria provided, single submitter. Criteria: Invitae Variant Classification Sherloc (09022015). Collection method: clinical testing. Allele origin: germline.
Comment: This sequence change replaces glycine, which is neutral and non-polar, with serine, which is neutral and polar, at codon 73 of the SOD1 protein (p.Gly73Ser). The frequency data for this variant in the population databases is considered unreliable, as metrics indicate poor data quality at this position in the gnomAD database. This missense change has been observed in individuals with autosomal dominant amyotrophic lateral sclerosis (PMID: 9455977, 9506558, 32397312, 34996976, 35076740, 37668704). This variant is also known as G72S. ClinVar contains an entry for this variant (Variation ID: 14779). Invitae Evidence Modeling of protein sequence and biophysical properties (such as structural, functional, and spatial information, amino acid conservation, physicochemical variation, residue mobility, and thermodynamic stability) indicates that this missense variant is expected to disrupt SOD1 protein function with a positive predictive value of 95%. Experimental studies have shown that this missense change affects SOD1 function (PMID: 19635794, 23280792, 23872456). This variant disrupts the p.Gly73 amino acid residue in SOD1. Other variant(s) that disrupt this residue have been observed in individuals with SOD1-related conditions (PMID: 28291249), which suggests that this may be a clinically significant amino acid residue. In summary, the currently available evidence indicates that the variant is pathogenic, but additional data are needed to prove that conclusively. Therefore, this variant has been classified as Likely Pathogenic.

Institute of Medical Genetics and Applied Genomics, University Hospital Tübingen
Classification: Likely pathogenic for Amyotrophic lateral sclerosis type 1. Last evaluated: 2024-12-20. Review status: criteria provided, single submitter. Criteria: ACMG Guidelines, 2015. Collection method: clinical testing. Allele origin: germline. Inheritance: Autosomal dominant inheritance. Affected: yes.

Institute of Human Genetics, University of Leipzig Medical Center
Classification: Likely pathogenic for Amyotrophic lateral sclerosis type 1. Last evaluated: 2024-08-02. Review status: criteria provided, single submitter. Criteria: ACMG Guidelines, 2015. Collection method: clinical testing. Allele origin: unknown. Inheritance: Autosomal dominant inheritance. Affected: yes.
Comment: Criteria applied: PM5_STR,PS4_MOD,PM1,PP3

OMIM
Classification: Pathogenic for AMYOTROPHIC LATERAL SCLEROSIS 1. Last evaluated: 1997-12-09. Review status: no assertion criteria provided. Collection method: literature only. Allele origin: germline. Not counted in ClinVar's aggregate classification.

Literature cited by the submitters: PubMed 9455977 (cited by Labcorp Genetics (formerly Invitae), Labcorp and OMIM); PubMed 9506558 (cited by Labcorp Genetics (formerly Invitae), Labcorp); PubMed 32397312 (cited by Labcorp Genetics (formerly Invitae), Labcorp); PubMed 34996976 (cited by Labcorp Genetics (formerly Invitae), Labcorp); PubMed 35076740 (cited by Labcorp Genetics (formerly Invitae), Labcorp); PubMed 37668704 (cited by Labcorp Genetics (formerly Invitae), Labcorp); PubMed 19635794 (cited by Labcorp Genetics (formerly Invitae), Labcorp); PubMed 23280792 (cited by Labcorp Genetics (formerly Invitae), Labcorp); PubMed 23872456 (cited by Labcorp Genetics (formerly Invitae), Labcorp); PubMed 28291249 (cited by Labcorp Genetics (formerly Invitae), Labcorp).